The following is an entry in ClinVar:

ClinVar aggregate classification (germline): Uncertain significance. Review status: criteria provided, multiple submitters, no conflicts (2 of 4 stars). 2 submissions from 2 submitters: Uncertain significance (2). Last evaluated 2025-10-17.

Allele frequency attached by ClinVar (database versions not stated): gnomAD exomes below 0.00001; ExAC 0.00001; gnomAD 0.00002; ESP Exome Variant Server 0.00008; TOPMed 0.00002.
gnomAD v4.1: 7 of 1,613,954 alleles (0.00043%); highest among the groups gnomAD compares: African/African-American, 0.0093%; no homozygotes.

Submissions (2):

Labcorp Genetics (formerly Invitae), Labcorp
Classification: Uncertain significance. Last evaluated: 2025-10-17. Review status: criteria provided, single submitter. Criteria: Invitae Variant Classification Sherloc (09022015). Collection method: clinical testing. Allele origin: germline.
Comment: This sequence change replaces valine, which is neutral and non-polar, with methionine, which is neutral and non-polar, at codon 1313 of the A2ML1 protein (p.Val1313Met). This variant is present in population databases (rs369047089, gnomAD 0.007%). This variant has not been reported in the literature in individuals affected with A2ML1-related conditions. ClinVar contains an entry for this variant (Variation ID: 643992). An algorithm developed to predict the effect of missense changes on protein structure and function (PolyPhen-2) suggests that this variant is likely to be disruptive. In summary, the available evidence is currently insufficient to determine the role of this variant in disease. Therefore, it has been classified as a Variant of Uncertain Significance.

Ambry Genetics
Classification: Uncertain significance. Last evaluated: 2021-08-19. Review status: criteria provided, single submitter. Criteria: Ambry Variant Classification Scheme 2023. Collection method: clinical testing. Allele origin: germline.
Comment: The p.V1313M variant (also known as c.3937G>A), located in coding exon 31 of the A2ML1 gene, results from a G to A substitution at nucleotide position 3937. The valine at codon 1313 is replaced by methionine, an amino acid with highly similar properties. This amino acid position is conserved. In addition, this alteration is predicted to be tolerated by in silico analysis. Since supporting evidence is limited at this time, the clinical significance of this alteration remains unclear.

NM_144670.6(A2ML1):c.3937G>A (p.Val1313Met)

Gene: A2ML1 (alpha-2-macroglobulin like 1; plus strand). Cytogenetic location: 12p13.31.
Variant type: single nucleotide variant.
Coding change: c.3937G>A on transcript NM_144670.6 (MANE Select); coding-DNA position 3937, G replaced by A.
Protein change: p.Val1313Met; replaces valine 1313 with methionine.
Molecular consequence: missense variant.
Genome position (GRCh38, 1-based): chr12:8,868,233, G>A. VCF-style: chr12-8868233-G-A. GRCh37 (hg19) VCF-style: chr12-9020829-G-A.
Other names: c.2464G>A, p.Val822Met (NM_001282424.3); short protein forms V1313M, V822M.
Identifiers: ClinVar variation 643992 (VCV000643992.10), dbSNP rs369047089, ClinGen allele CA6436534.